The following is an entry in ClinVar:

ClinVar aggregate classification (germline): Uncertain significance (1 of 4 stars; one submission).

Allele frequency attached by ClinVar (database versions not stated): gnomAD 0.00001; TOPMed 0.00001; ExAC 0.00002; gnomAD exomes 0.00004.
gnomAD v4.1: 21 of 1,613,736 alleles (0.0013%); highest among the groups gnomAD compares: Middle Eastern, 0.049%; no homozygotes.

Submission:

Labcorp Genetics (formerly Invitae), Labcorp
Classification: Uncertain significance. Last evaluated: 2022-06-27. Review status: criteria provided, single submitter. Criteria: Invitae Variant Classification Sherloc (09022015). Collection method: clinical testing. Allele origin: germline.
Comment: This sequence change replaces leucine, which is neutral and non-polar, with phenylalanine, which is neutral and non-polar, at codon 40 of the SPP2 protein (p.Leu40Phe). In summary, the available evidence is currently insufficient to determine the role of this variant in disease. Therefore, it has been classified as a Variant of Uncertain Significance. Algorithms developed to predict the effect of sequence changes on RNA splicing suggest that this variant may create or strengthen a splice site. Algorithms developed to predict the effect of missense changes on protein structure and function are either unavailable or do not agree on the potential impact of this missense change (SIFT: "Deleterious"; PolyPhen-2: "Probably Damaging"; Align-GVGD: "Class C0"). ClinVar contains an entry for this variant (Variation ID: 1020185). This variant has not been reported in the literature in individuals affected with SPP2-related conditions. This variant is present in population databases (rs200706917, gnomAD 0.009%).

NM_006944.3(SPP2):c.120A>C (p.Leu40Phe)

Gene: SPP2 (secreted phosphoprotein 2; plus strand). Cytogenetic location: 2q37.1.
Variant type: single nucleotide variant.
Coding change: c.120A>C on transcript NM_006944.3 (MANE Select); coding-DNA position 120, A replaced by C.
Protein change: p.Leu40Phe; replaces leucine 40 with phenylalanine.
Molecular consequence: missense variant.
Genome position (GRCh38, 1-based): chr2:234,051,005, A>C. VCF-style: chr2-234051005-A-C. GRCh37 (hg19) VCF-style: chr2-234959649-A-C.
Other names: short protein forms L40F.
Identifiers: ClinVar variation 1020185 (VCV001020185.8), dbSNP rs200706917, ClinGen allele CA2183087.